The following is an entry in ClinVar:

ClinVar aggregate classification (germline): Pathogenic (1 of 4 stars; one submission).

Conditions:
ERCC2-related disorder. Also called: ERCC2-related conditions; ERCC2-related condition; ERCC2-related disorders. Identifiers: MedGen CN239291.

Submission:

Myriad Genetics, Inc.
Classification: Pathogenic for ERCC2-related disorder. Last evaluated: 2026-03-08. Review status: criteria provided, single submitter. Criteria: Myriad Autosomal Dominant, Autosomal Recessive and X-Linked Classification Criteria (2023). Collection method: clinical testing. Allele origin: unknown.
Comment: NM_000400.3(ERCC2):c.832delG(E278Sfs*56) is expected to be pathogenic in the context of ERCC2-related disorders. This variant is predicted to lead to an abnormal or absent protein product due to the creation of a premature termination codon in ERCC2, a gene where loss-of-function variants are known to be pathogenic. Please note: this variant was assessed in the context of healthy population screening.

NM_000400.4(ERCC2):c.832del (p.Glu278fs)

Gene: ERCC2 (ERCC excision repair 2, TFIIH core complex helicase subunit; minus strand). Cytogenetic location: 19q13.32.
Variant type: Deletion.
Coding change: c.832del on transcript NM_000400.4 (MANE Select); coding-DNA position 832, one base deleted (G; older notation c.832delG).
Protein change: p.Glu278fs; shifts the reading frame from glutamic acid 278.
Molecular consequence: frameshift variant. On other transcripts: non-coding transcript variant (3).
Genome position (GRCh38, 1-based): chr19:45,364,103, C deleted on the plus strand (G on the coding strand, the reverse complement: ERCC2 is on the minus strand). VCF-style (leftmost placement, unchanged base first): chr19-45364102-TC-T. GRCh37 (hg19) VCF-style: chr19-45867360-TC-T.
Other names: c.760del, p.Glu254fs (NM_001130867.2, NM_001440355.1); c.754del, p.Glu252fs (NM_001440356.1); c.709del, p.Glu237fs (NM_001440357.1); short protein forms E237fs, E252fs, E254fs, E278fs.
Identifiers: ClinVar variation 5015655 (VCV005015655.1).
Genomic context (GRCh38, chr19:45,364,102, plus strand): 5'-GCGGCGCTGGCCTCCCGCAGCCCCTCCACCAGACGCCGGTACTCGTCCCGCAGGCGCTGC[TC>T]GTCTGTCTCTTTGATCCTGCGGAGAGATGAGCTGGGGCTGGGAGGGGGCTGGCAACCCTG-3'